The following is an entry in ClinVar:

NM_207414.3(MROH5):c.1591G>A (p.Val531Met)

Gene: MROH5 (maestro heat like repeat family member 5 (gene/pseudogene); minus strand). Cytogenetic location: 8q24.3.
Variant type: single nucleotide variant.
Coding change: c.1591G>A on transcript NM_207414.3 (MANE Select); coding-DNA position 1591, G replaced by A.
Protein change: p.Val531Met; replaces valine 531 with methionine.
Molecular consequence: missense variant. On other transcripts: non-coding transcript variant (1).
Genome position (GRCh38, 1-based): chr8:141,476,002, C>T on the plus strand (G>A on the coding strand, the complement: MROH5 is on the minus strand). VCF-style: chr8-141476002-C-T. GRCh37 (hg19) VCF-style: chr8-142486102-C-T.
Other names: short protein forms V531M.
Identifiers: ClinVar variation 2658878 (VCV002658878.24), dbSNP rs191505452, ClinGen allele CA4899958.
Genomic context (GRCh38, chr8:141,476,002, plus strand): 5'-AGTGAAGAACTGCCCTGGGTCCCCAGCCCTGGTGCGTCCAGCCTGCCCGCTCCCGAGCCA[C>T]GGGCCACAGCTGGATGTTGGGAGGCTCCAGAAAGAGGCAGGTGTGCTTCTCCAGGGCATC-3'
Protein context (NP_997297.2, residues 521-541): LEPPNIQLWP[Val531Met]ARERAGWTHQ

ClinVar aggregate classification (germline): Likely benign (1 of 4 stars; one submission).

Allele frequency attached by ClinVar (database versions not stated): 1000 Genomes Project 0.00220; 1000 Genomes Project 30x 0.00234; TOPMed 0.00406; gnomAD exomes 0.00450; ESP Exome Variant Server 0.00485; gnomAD 0.00526; ExAC 0.00667.

Submission:

CeGaT Center for Human Genetics Tuebingen
Classification: Likely benign. Last evaluated: 2023-01-01. Review status: criteria provided, single submitter. Criteria: CeGaT Center For Human Genetics Tuebingen Variant Classification Criteria Version 2. Collection method: clinical testing. Allele origin: germline. Affected: yes. Observed: 1 variant allele.
Comment: MROH5: BS2